The following is an entry in ClinVar:

ClinVar aggregate classification (germline): Likely benign (1 of 4 stars; one submission).

Allele frequency attached by ClinVar (database versions not stated): TOPMed 0.00005; gnomAD 0.00006.
gnomAD v4.1: 114 of 985,328 alleles (0.012%); highest among the groups gnomAD compares: Non-Finnish European, 0.013%; no homozygotes.

Submission:

GeneDx
Classification: Likely benign. Last evaluated: 2018-01-12. Review status: criteria provided, single submitter. Criteria: GeneDx Variant Classification (06012015). Collection method: clinical testing. Allele origin: germline. Affected: yes.
Comment: This variant is considered likely benign or benign based on one or more of the following criteria: it is a conservative change, it occurs at a poorly conserved position in the protein, it is predicted to be benign by multiple in silico algorithms, and/or has population frequency not consistent with disease.

NM_002471.4(MYH6):c.-54C>T

Genes: MYH6 (myosin heavy chain 6; minus strand), LOC114827851 (VISTA enhancer hs2155; plus strand). Cytogenetic location: 14q11.2.
Variant type: single nucleotide variant.
Coding change: c.-54C>T on transcript NM_002471.4 (MANE Select); 54 bases upstream of the start codon, C replaced by T.
Molecular consequence: 5 prime UTR variant.
Genome position (GRCh38, 1-based): chr14:23,408,260, G>A on the plus strand (C>T on the coding strand, the complement: MYH6 is on the minus strand). VCF-style: chr14-23408260-G-A. GRCh37 (hg19) VCF-style: chr14-23877469-G-A.
Identifiers: ClinVar variation 514522 (VCV000514522.1), dbSNP rs993021475, ClinGen allele CA257801184.